The following is an entry in ClinVar:

ClinVar aggregate classification (germline): Uncertain significance (1 of 4 stars; one submission).

Conditions:
Cardiovascular phenotype. Identifiers: MedGen CN230736.

Submission:

Ambry Genetics
Classification: Uncertain significance for Cardiovascular phenotype. Last evaluated: 2025-03-23. Review status: criteria provided, single submitter. Criteria: Ambry Variant Classification Scheme 2023. Collection method: clinical testing. Allele origin: germline.
Comment: The p.E128D variant (also known as c.384G>T), located in coding exon 4 of the TBX5 gene, results from a G to T substitution at nucleotide position 384. The glutamic acid at codon 128 is replaced by aspartic acid, an amino acid with highly similar properties. This amino acid position is conserved. In addition, the in silico prediction for this alteration is inconclusive. Based on the available evidence, the clinical significance of this variant remains unclear.

NM_181486.4(TBX5):c.384G>T (p.Glu128Asp)

Gene: TBX5 (T-box transcription factor 5; minus strand). Cytogenetic location: 12q24.21.
Variant type: single nucleotide variant.
Coding change: c.384G>T on transcript NM_181486.4 (MANE Select); coding-DNA position 384, G replaced by T.
Protein change: p.Glu128Asp; replaces glutamic acid 128 with aspartic acid.
Molecular consequence: missense variant.
Genome position (GRCh38, 1-based): chr12:114,398,699, C>A on the plus strand (G>T on the coding strand, the complement: TBX5 is on the minus strand). VCF-style: chr12-114398699-C-A. GRCh37 (hg19) VCF-style: chr12-114836504-C-A.
Other names: c.384G>T, p.Glu128Asp (NM_000192.3); c.234G>T, p.Glu78Asp (NM_080717.4); short protein forms E128D, E78D.
Identifiers: ClinVar variation 3966303 (VCV003966303.1).